The following is an entry in ClinVar:

ClinVar aggregate classification (germline): Pathogenic. Review status: reviewed by expert panel (3 of 4 stars). 2 submissions from 2 submitters: Pathogenic (1). 1 of the submissions does not count toward it. Last evaluated 2016-09-08.

Conditions:
Breast-ovarian cancer, familial, susceptibility to, 1 (BROVCA1). Also called: BRCA1 Hereditary Breast and Ovarian Cancer; OVARIAN CANCER, SUSCEPTIBILITY TO. Identifiers: Orphanet 145, MedGen C2676676, MONDO:0011450, OMIM 604370. Disease mechanism: loss of function.

Submissions (2):

Evidence-based Network for the Interpretation of Germline Mutant Alleles (ENIGMA)
Classification: Pathogenic for Breast-ovarian cancer, familial, susceptibility to, 1. Last evaluated: 2016-09-08. Review status: reviewed by expert panel. Criteria: ENIGMA BRCA1/2 Classification Criteria (2015). Collection method: curation. Allele origin: germline.
Comment: Variant allele predicted to encode a truncated non-functional protein.

Sharing Clinical Reports Project (SCRP)
Classification: Pathogenic for Breast-ovarian cancer, familial 1. Last evaluated: 2012-08-02. Review status: no assertion criteria provided. Collection method: clinical testing. Allele origin: germline. Not counted in ClinVar's aggregate classification.

NM_007294.4(BRCA1):c.130dup (p.Cys44fs)

Gene: BRCA1 (BRCA1 DNA repair associated; minus strand). Cytogenetic location: 17q21.31.
Variant type: Duplication.
Coding change: c.130dup on transcript NM_007294.4 (MANE Select); coding-DNA position 130, one base duplicated (T; older notation c.130dupT).
Protein change: p.Cys44fs; shifts the reading frame from cysteine 44.
Molecular consequence: frameshift variant. On other transcripts: non-coding transcript variant (1), intron variant (1).
Genome position (GRCh38, 1-based): chr17:43,115,730, A duplicated on the plus strand (T on the coding strand, the reverse complement: BRCA1 is on the minus strand); the first of 4 consecutive A bases (chr17:43,115,730-43,115,733); duplicating any one gives the same sequence. VCF-style (leftmost placement, unchanged base first): chr17-43115729-C-CA. GRCh37 (hg19) VCF-style: chr17-41267746-C-CA.
Other names: 249insT; c.-62dup (NM_001407571.1, NM_001407853.1, NM_001407879.1 and 52 more transcripts); c.127dup, p.Cys44Leufs (NM_001407581.1, NM_001407582.1, NM_001407583.1 and 190 more transcripts); c.-131dup (NM_001407694.1, NM_001407696.1, NM_001407724.1 and 13 more transcripts); c.-135dup (NM_001407695.1, NM_001408465.1); c.-15dup (NM_001407697.1, NM_001407725.1, NM_001407728.1 and 47 more transcripts); c.-11dup (NM_001407841.1); c.-178dup (NM_001407889.1, NM_001407900.1, NM_001408492.1); and 5 more; short protein forms C44fs.
Identifiers: ClinVar variation 96898 (VCV000096898.3), dbSNP rs80357951, ClinGen allele CA000851.